The following is an entry in ClinVar:

ClinVar aggregate classification (germline): Benign/Likely benign. Review status: criteria provided, multiple submitters, no conflicts (2 of 4 stars). 2 submissions from 2 submitters: Benign (1); Likely benign (1). Last evaluated 2024-06-06.

Conditions:
Familial cancer of breast. Also called: Hereditary breast cancer; hereditary breast carcinoma; BREAST CANCER, FAMILIAL. Identifiers: Orphanet 227535, MedGen C0346153, MONDO:0016419, OMIM 114480. Disease mechanism: loss of function.
Ataxia-telangiectasia syndrome (AT). Also called: Ataxia telangiectasia (A-T); ATAXIA-TELANGIECTASIA, COMPLEMENTATION GROUP A; ATAXIA-TELANGIECTASIA, FRESNO VARIANT; Ataxia-telangiectasia; Ataxia-telangiectasia, complementation group E; LOUIS-BAR SYNDROME. Identifiers: Orphanet 100, MedGen C0004135, MONDO:0008840, OMIM 208900.

Allele frequency attached by ClinVar (database versions not stated): ExAC 0.00001; gnomAD exomes below 0.00001.
gnomAD v4.1: 3 of 1,614,172 alleles (0.00019%); highest among the groups gnomAD compares: South Asian, 0.0033%; no homozygotes.

Submissions (2):

Myriad Genetics, Inc.
Classification: Benign for Familial cancer of breast. Last evaluated: 2024-06-06. Review status: criteria provided, single submitter. Criteria: Myriad Autosomal Dominant, Autosomal Recessive and X-Linked Classification Criteria (2023). Collection method: clinical testing. Allele origin: unknown.
Comment: This variant is considered benign. This variant is a silent/synonymous amino acid change and it is not expected to impact splicing.

Labcorp Genetics (formerly Invitae), Labcorp
Classification: Likely benign for Ataxia-telangiectasia syndrome. Last evaluated: 2023-11-17. Review status: criteria provided, single submitter. Criteria: Invitae Variant Classification Sherloc (09022015). Collection method: clinical testing. Allele origin: germline.

NM_000051.4(ATM):c.6546G>A (p.Leu2182=)

Genes: C11orf65 (chromosome 11 open reading frame 65; minus strand), ATM (ATM serine/threonine kinase; plus strand). Cytogenetic location: 11q22.3.
Variant type: single nucleotide variant.
Coding change: c.6546G>A on transcript NM_000051.4 (MANE Select); coding-DNA position 6546, G replaced by A.
Protein change: p.Leu2182=; no amino-acid change (leucine 2182 retained).
Molecular consequence: synonymous variant. On other transcripts: intron variant (2).
Genome position (GRCh38, 1-based): chr11:108,321,394, G>A. VCF-style: chr11-108321394-G-A. GRCh37 (hg19) VCF-style: chr11-108192121-G-A.
Other names: c.6546G>A, p.Leu2182= (NM_001351834.2); c.641-12323C>T (NM_001330368.2); c.*39-12323C>T (NM_001351110.2).
Identifiers: ClinVar variation 1109055 (VCV001109055.10), dbSNP rs756551824, ClinGen allele CA6265967.